The following is an entry in ClinVar:

ClinVar aggregate classification (germline): Uncertain significance. Review status: criteria provided, multiple submitters, no conflicts (2 of 4 stars). 2 submissions from 2 submitters: Uncertain significance (2). Last evaluated 2024-04-24.

Conditions:
Erythrocytosis, familial, 3 (ECYT3). Identifiers: Orphanet 247511, MedGen C1853286, MONDO:0012353, OMIM 609820.

gnomAD v4.1: 1 of 1,316,738 alleles (0.000076%); highest among the groups gnomAD compares: East Asian, 0.0031%; no homozygotes.

Submissions (2):

Labcorp Genetics (formerly Invitae), Labcorp
Classification: Uncertain significance for Erythrocytosis, familial, 3. Last evaluated: 2024-04-24. Review status: criteria provided, single submitter. Criteria: Invitae Variant Classification Sherloc (09022015). Collection method: clinical testing. Allele origin: germline.
Comment: This sequence change replaces alanine, which is neutral and non-polar, with valine, which is neutral and non-polar, at codon 103 of the EGLN1 protein (p.Ala103Val). This variant is not present in population databases (gnomAD no frequency). This variant has not been reported in the literature in individuals affected with EGLN1-related conditions. ClinVar contains an entry for this variant (Variation ID: 1727438). An algorithm developed to predict the effect of missense changes on protein structure and function (PolyPhen-2) suggests that this variant is likely to be disruptive. In summary, the available evidence is currently insufficient to determine the role of this variant in disease. Therefore, it has been classified as a Variant of Uncertain Significance.

Ambry Genetics
Classification: Uncertain significance. Last evaluated: 2022-01-04. Review status: criteria provided, single submitter. Criteria: Ambry Variant Classification Scheme 2023. Collection method: clinical testing. Allele origin: germline.
Comment: The p.A103V variant (also known as c.308C>T), located in coding exon 1 of the EGLN1 gene, results from a C to T substitution at nucleotide position 308. The alanine at codon 103 is replaced by valine, an amino acid with similar properties. This amino acid position is conserved. In addition, this alteration is predicted to be tolerated by in silico analysis. Since supporting evidence is limited at this time, the clinical significance of this alteration remains unclear.

NM_022051.3(EGLN1):c.308C>T (p.Ala103Val)

Gene: EGLN1 (egl-9 family hypoxia inducible factor 1; minus strand). Cytogenetic location: 1q42.2.
Variant type: single nucleotide variant.
Coding change: c.308C>T on transcript NM_022051.3 (MANE Select); coding-DNA position 308, C replaced by T.
Protein change: p.Ala103Val; replaces alanine 103 with valine.
Molecular consequence: missense variant.
Genome position (GRCh38, 1-based): chr1:231,421,581, G>A on the plus strand (C>T on the coding strand, the complement: EGLN1 is on the minus strand). VCF-style: chr1-231421581-G-A. GRCh37 (hg19) VCF-style: chr1-231557327-G-A.
Other names: c.308C>T, p.Ala103Val (NM_001377260.1, NM_001377261.1); short protein forms A103V.
Identifiers: ClinVar variation 1727438 (VCV001727438.4), dbSNP rs1038218629, ClinGen allele CA38948918.